The following is an entry in ClinVar:

NM_001384140.1(PCDH15):c.4526A>G (p.Gln1509Arg)

Gene: PCDH15 (protocadherin related 15; minus strand). Cytogenetic location: 10q21.1.
Variant type: single nucleotide variant.
Coding change: c.4526A>G on transcript NM_001384140.1 (MANE Select); coding-DNA position 4526, A replaced by G.
Protein change: p.Gln1509Arg; replaces glutamine 1509 with arginine.
Molecular consequence: missense variant. On other transcripts: intron variant (5).
Genome position (GRCh38, 1-based): chr10:53,811,585, T>C on the plus strand (A>G on the coding strand, the complement: PCDH15 is on the minus strand). VCF-style: chr10-53811585-T-C. GRCh37 (hg19) VCF-style: chr10-55571345-T-C.
Other names: c.4408A>G, p.Arg1470Gly (NM_001142770.3); c.4460A>G, p.Gln1487Arg (NM_001354429.2); c.4368-921A>G (NM_001354420.2); c.4374-921A>G (NM_001142772.2); c.4389-921A>G (NM_001142771.2, NM_001354411.2); c.4410-921A>G (NM_001142769.3); short protein forms R1470G, Q1487R, Q1509R.
Identifiers: ClinVar variation 178517 (VCV000178517.8), dbSNP rs115559383, ClinGen allele CA182476.

ClinVar aggregate classification (germline): Conflicting classifications of pathogenicity. Review status: criteria provided, conflicting classifications (1 of 4 stars). 4 submissions from 4 submitters: Uncertain significance (2); Likely benign (1). 1 of the submissions does not count toward it. Last evaluated 2024-01-11.

Conditions:
PCDH15-related disorder. Also called: PCDH15-related condition; PCDH15-related disorders.

Allele frequency attached by ClinVar (database versions not stated): ExAC 0.00028; ESP Exome Variant Server 0.00058; 1000 Genomes Project 30x 0.00078; gnomAD 0.00058 and 0.00065; gnomAD exomes 0.00013; 1000 Genomes Project 0.00040; TOPMed 0.00062.
gnomAD v4.1: 156 of 1,572,384 alleles (0.0099%); highest among the groups gnomAD compares: African/African-American, 0.19%; no homozygotes.

Submissions (4):

Blueprint Genetics
Classification: Likely benign. Last evaluated: 2024-01-11. Review status: criteria provided, single submitter. Criteria: ACMG Guidelines, 2015. Collection method: clinical testing. Allele origin: germline.

Laboratory for Molecular Medicine, Mass General Brigham Personalized Medicine
Classification: Uncertain significance. Last evaluated: 2014-03-19. Review status: criteria provided, single submitter. Criteria: LMM Criteria. Collection method: clinical testing. Allele origin: germline. Observed: 1 variant allele.
Comment: Variant classified as Uncertain Significance - Favor Benign. The Arg1470Gly vari ant in PCDH15 has not been previously reported in literature, but has been ident ified in 0.19% (6/3136) of African American chromosomes by the NHLBI Exome Seque ncing Project (dbSNP rs115559383). Although t he variant has been identified in the general population, its frequency is not h igh enough to rule out pathogenicity. . Computational prediction tools and conse rvation analyses do not provide strong support for or against an impact to the p rotein. In summary, the clinical significance of this variant cannot be determin ed with certainty; however based upon its presence in ~0.2% of African American chromosomes, we lean towards a more likely benign role.

Breakthrough Genomics
Classification: Uncertain significance. Review status: criteria provided, single submitter. Criteria: ACMG Guidelines, 2015. Collection method: not provided. Allele origin: germline. Inheritance: Autosomal recessive inheritance. Affected: yes.

PreventionGenetics, part of Exact Sciences
Classification: Likely benign for PCDH15-related condition. Last evaluated: 2024-09-16. Review status: no assertion criteria provided. Collection method: clinical testing. Allele origin: germline. Not counted in ClinVar's aggregate classification.
Comment: This variant is classified as likely benign based on ACMG/AMP sequence variant interpretation guidelines (Richards et al. 2015 PMID: 25741868, with internal and published modifications).